The following is an entry in ClinVar:

NM_203447.4(DOCK8):c.3001A>G (p.Met1001Val)

Gene: DOCK8 (dedicator of cytokinesis 8; plus strand). Cytogenetic location: 9p24.3.
Variant type: single nucleotide variant.
Coding change: c.3001A>G on transcript NM_203447.4 (MANE Select); coding-DNA position 3001, A replaced by G.
Protein change: p.Met1001Val; replaces methionine 1001 with valine.
Molecular consequence: missense variant.
Genome position (GRCh38, 1-based): chr9:396,815, A>G. VCF-style: chr9-396815-A-G. GRCh37 (hg19) VCF-style: chr9-396815-A-G.
Other names: c.2701A>G, p.Met901Val (NM_001190458.2); c.2797A>G, p.Met933Val (NM_001193536.2); short protein forms M933V, M1001V, M901V.
Identifiers: ClinVar variation 4708634 (VCV004708634.1).

ClinVar aggregate classification (germline): Uncertain significance (1 of 4 stars; one submission).

Conditions:
Combined immunodeficiency due to DOCK8 deficiency (HIES2). Also called: HYPER-IgE SYNDROME 2, AUTOSOMAL RECESSIVE, WITH RECURRENT INFECTIONS; HIES autosomal recessive; Hyper-IgE recurrent infection syndrome, autosomal recessive; HYPER-IgE RECURRENT INFECTION SYNDROME 2, AUTOSOMAL RECESSIVE; DOCK8 Deficiency. Identifiers: Orphanet 217390, MedGen C4722305, MONDO:0009478, OMIM 243700.

Submission:

Labcorp Genetics (formerly Invitae), Labcorp
Classification: Uncertain significance for Combined immunodeficiency due to DOCK8 deficiency. Last evaluated: 2025-12-26. Review status: criteria provided, single submitter. Criteria: Invitae Variant Classification Sherloc (09022015). Collection method: clinical testing. Allele origin: germline.
Comment: This sequence change replaces methionine, which is neutral and non-polar, with valine, which is neutral and non-polar, at codon 1001 of the DOCK8 protein (p.Met1001Val). This variant is present in population databases (rs375008655, gnomAD 0.003%). This variant has not been reported in the literature in individuals affected with DOCK8-related conditions. Invitae Evidence Modeling of protein sequence and biophysical properties (such as structural, functional, and spatial information, amino acid conservation, physicochemical variation, residue mobility, and thermodynamic stability) indicates that this missense variant is not expected to disrupt DOCK8 protein function with a negative predictive value of 80%. In summary, the available evidence is currently insufficient to determine the role of this variant in disease. Therefore, it has been classified as a Variant of Uncertain Significance.